The following is an entry in ClinVar:

ClinVar aggregate classification (germline): Uncertain significance (1 of 4 stars; one submission).

Allele frequency attached by ClinVar (database versions not stated): gnomAD 0.00001; gnomAD exomes 0.00001; TOPMed 0.00001.
gnomAD v4.1: 18 of 1,613,276 alleles (0.0011%); highest among the groups gnomAD compares: South Asian, 0.0066%; 1 homozygote.

Submission:

Labcorp Genetics (formerly Invitae), Labcorp
Classification: Uncertain significance. Last evaluated: 2022-03-27. Review status: criteria provided, single submitter. Criteria: Invitae Variant Classification Sherloc (09022015). Collection method: clinical testing. Allele origin: germline.
Comment: This sequence change replaces serine, which is neutral and polar, with leucine, which is neutral and non-polar, at codon 1009 of the TONSL protein (p.Ser1009Leu). This variant is present in population databases (no rsID available, gnomAD 0.006%). This variant has not been reported in the literature in individuals affected with TONSL-related conditions. Algorithms developed to predict the effect of missense changes on protein structure and function (SIFT, PolyPhen-2, Align-GVGD) all suggest that this variant is likely to be tolerated. In summary, the available evidence is currently insufficient to determine the role of this variant in disease. Therefore, it has been classified as a Variant of Uncertain Significance.

NM_013432.5(TONSL):c.3026C>T (p.Ser1009Leu)

Gene: TONSL (tonsoku like, DNA repair protein; minus strand). Cytogenetic location: 8q24.3.
Variant type: single nucleotide variant.
Coding change: c.3026C>T on transcript NM_013432.5 (MANE Select); coding-DNA position 3026, C replaced by T.
Protein change: p.Ser1009Leu; replaces serine 1009 with leucine.
Molecular consequence: missense variant.
Genome position (GRCh38, 1-based): chr8:144,434,870, G>A on the plus strand (C>T on the coding strand, the complement: TONSL is on the minus strand). VCF-style: chr8-144434870-G-A. GRCh37 (hg19) VCF-style: chr8-145660253-G-A.
Other names: short protein forms S1009L.
Identifiers: ClinVar variation 2167603 (VCV002167603.1), dbSNP rs867459869, ClinGen allele CA187666057.